The following is an entry in ClinVar:

NM_032861.4(SERAC1):c.21C>T (p.Cys7=)

Gene: SERAC1 (serine active site containing 1; minus strand). Cytogenetic location: 6q25.3.
Variant type: single nucleotide variant.
Coding change: c.21C>T on transcript NM_032861.4 (MANE Select); coding-DNA position 21, C replaced by T.
Protein change: p.Cys7=; no amino-acid change (cysteine 7 retained).
Molecular consequence: synonymous variant. On other transcripts: non-coding transcript variant (1).
Genome position (GRCh38, 1-based): chr6:158,158,343, G>A on the plus strand (C>T on the coding strand, the complement: SERAC1 is on the minus strand). VCF-style: chr6-158158343-G-A. GRCh37 (hg19) VCF-style: chr6-158579375-G-A.
Identifiers: ClinVar variation 1612351 (VCV001612351.10), dbSNP rs139301835, ClinGen allele CA4071490.

ClinVar aggregate classification (germline): Likely benign. Review status: criteria provided, multiple submitters, no conflicts (2 of 4 stars). 2 submissions from 2 submitters: Likely benign (2). Last evaluated 2026-06-01.

Conditions:
3-methylglutaconic aciduria with deafness, encephalopathy, and Leigh-like syndrome (MEGDEL). Also called: 3-METHYLGLUTACONIC ACIDURIA, TYPE VI; MEGDEL syndrome; SERAC1 Deficiency. Identifiers: Orphanet 352328, MedGen C4040739, MONDO:0013875, OMIM 614739.

Allele frequency attached by ClinVar (database versions not stated): 1000 Genomes Project 30x 0.00016.
gnomAD v4.1: 50 of 1,613,318 alleles (0.0031%); highest among the groups gnomAD compares: African/African-American, 0.028%; no homozygotes.

Submissions (2):

CeGaT Center for Human Genetics Tuebingen
Classification: Likely benign. Last evaluated: 2026-06-01. Review status: criteria provided, single submitter. Criteria: CeGaT Center For Human Genetics Tuebingen Variant Classification Criteria Version 2. Collection method: clinical testing. Allele origin: germline. Affected: yes. Observed: 1 variant allele.
Comment: SERAC1: BP4, BP7

Labcorp Genetics (formerly Invitae), Labcorp
Classification: Likely benign for 3-methylglutaconic aciduria with deafness, encephalopathy, and Leigh-like syndrome. Last evaluated: 2025-12-16. Review status: criteria provided, single submitter. Criteria: Invitae Variant Classification Sherloc (09022015). Collection method: clinical testing. Allele origin: germline.